The following is an entry in ClinVar:

NM_004260.4(RECQL4):c.954G>C (p.Arg318Ser)

Gene: RECQL4 (RecQ like helicase 4; minus strand). Cytogenetic location: 8q24.3.
Variant type: single nucleotide variant.
Coding change: c.954G>C on transcript NM_004260.4 (MANE Select); coding-DNA position 954, G replaced by C.
Protein change: p.Arg318Ser; replaces arginine 318 with serine.
Molecular consequence: missense variant.
Genome position (GRCh38, 1-based): chr8:144,516,165, C>G on the plus strand (G>C on the coding strand, the complement: RECQL4 is on the minus strand). VCF-style: chr8-144516165-C-G. GRCh37 (hg19) VCF-style: chr8-145741549-C-G.
Other names: c.954G>C (NM_004260.3); c.954G>C, p.Arg318Ser (NM_001413018.1, NM_001413019.1, NM_001413033.1 and 2 more transcripts); c.-118G>C (NM_001413021.1, NM_001413022.1, NM_001413023.1 and 7 more transcripts); c.825G>C, p.Arg275Ser (NM_001413025.1); c.-180G>C (NM_001413027.1, NM_001413030.1, NM_001413031.1 and 2 more transcripts); c.603G>C, p.Arg201Ser (NM_001413029.1); c.-387G>C (NM_001413043.1); short protein forms R318S, R201S, R275S.
Identifiers: ClinVar variation 1996009 (VCV001996009.5), dbSNP rs2538084871, ClinGen allele CA372688560.
Genomic context (GRCh38, chr8:144,516,165, plus strand): 5'-GGGGGCTGTGCCCTCAGCCTTCCCAGCCCTAGCTTGACTGGAGGGGCTGAGTCCGTGGTA[C>G]CTGGGGTTCGATGGGCTGCTGCAGGGCTGAGGTGGCTGTGCCTGTACAGGTTCCCCTGGA-3'
Protein context (NP_004251.4, residues 308-328): PQPCSSPSNP[Arg318Ser]YHGLSPSSQA

ClinVar aggregate classification (germline): Uncertain significance. Review status: criteria provided, multiple submitters, no conflicts (2 of 4 stars). 2 submissions from 2 submitters: Uncertain significance (2). Last evaluated 2025-08-20.

Conditions:
Inborn genetic diseases. Identifiers: MedGen C0950123, MeSH D030342.
Baller-Gerold syndrome (BGS). Also called: CRANIOSYNOSTOSIS WITH RADIAL DEFECTS. Identifiers: Orphanet 1225, MedGen C0265308, MONDO:0009039, OMIM 218600.

Submissions (2):

Ambry Genetics
Classification: Uncertain significance for Inborn genetic diseases. Last evaluated: 2025-08-20. Review status: criteria provided, single submitter. Criteria: Ambry Variant Classification Scheme 2023. Collection method: clinical testing. Allele origin: germline.
Comment: The p.R318S variant (also known as c.954G>C), located in coding exon 5 of the RECQL4 gene, results from a G to C substitution at nucleotide position 954. The arginine at codon 318 is replaced by serine, an amino acid with dissimilar properties. This amino acid position is conserved. In addition, the in silico prediction for this alteration is inconclusive. Based on the available evidence, the clinical significance of this variant remains unclear.

Labcorp Genetics (formerly Invitae), Labcorp
Classification: Uncertain significance for Baller-Gerold syndrome. Last evaluated: 2022-02-12. Review status: criteria provided, single submitter. Criteria: Invitae Variant Classification Sherloc (09022015). Collection method: clinical testing. Allele origin: germline.
Comment: This variant has not been reported in the literature in individuals affected with RECQL4-related conditions. Experimental studies and prediction algorithms are not available or were not evaluated, and the functional significance of this variant is currently unknown. In summary, the available evidence is currently insufficient to determine the role of this variant in disease. Therefore, it has been classified as a Variant of Uncertain Significance. This variant is not present in population databases (gnomAD no frequency). This sequence change replaces arginine, which is basic and polar, with serine, which is neutral and polar, at codon 318 of the RECQL4 protein (p.Arg318Ser).